The following is an entry in ClinVar:

NM_016239.4(MYO15A):c.6863C>T (p.Ser2288Leu)

Gene: MYO15A (myosin XVA; plus strand). Cytogenetic location: 17p11.2.
Variant type: single nucleotide variant.
Coding change: c.6863C>T on transcript NM_016239.4 (MANE Select); coding-DNA position 6863, C replaced by T.
Protein change: p.Ser2288Leu; replaces serine 2288 with leucine.
Molecular consequence: missense variant.
Genome position (GRCh38, 1-based): chr17:18,148,859, C>T. VCF-style: chr17-18148859-C-T. GRCh37 (hg19) VCF-style: chr17-18052173-C-T.
Other names: short protein forms S2288L.
Identifiers: ClinVar variation 322158 (VCV000322158.29), dbSNP rs886052676, ClinGen allele CA10639101.

ClinVar aggregate classification (germline): Pathogenic/Likely pathogenic. Review status: criteria provided, multiple submitters, no conflicts (2 of 4 stars). 6 submissions from 6 submitters: Pathogenic (2); Likely pathogenic (4). Last evaluated 2026-07-10.

Conditions:
MYO15A-related disorder. Also called: MYO15A-related condition.
Rare genetic deafness. Identifiers: Orphanet 96210, MedGen C5680250.
Autosomal recessive nonsyndromic hearing loss 3. Also called: NEUROSENSORY NONSYNDROMIC RECESSIVE DEAFNESS 3. Identifiers: Orphanet 90636, MedGen C1838263, MONDO:0010860, OMIM 600316.

Allele frequency attached by ClinVar (database versions not stated): gnomAD exomes 0.00001; TOPMed 0.00002; gnomAD 0.00004.
gnomAD v4.1: 16 of 1,607,282 alleles (0.001%); highest among the groups gnomAD compares: African/African-American, 0.004%; no homozygotes.

Submissions (6):

GeneDx
Classification: Likely pathogenic. Last evaluated: 2026-07-10. Review status: criteria provided, single submitter. Criteria: GeneDx Variant Classification Process June 2021. Collection method: clinical testing. Allele origin: germline.
Comment: Identified with a second MYO15A variant (phase unknown) in patients with childhood-onset bilateral sensorineural hearing loss referred for genetic testing at GeneDx and in published literature (PMID: 35440622); Not observed at significant frequency in large population cohorts (gnomAD); In silico analysis supports that this missense variant has a deleterious effect on protein structure/function; This variant is associated with the following publications: (PMID: 34974475, 35440622, 35982127)

Illumina Laboratory Services, Illumina
Classification: Pathogenic for Autosomal recessive nonsyndromic hearing loss 3. Last evaluated: 2025-02-13. Review status: criteria provided, single submitter. Criteria: ICSLVariantClassificationCriteria RUGD 01 April 2020. Collection method: clinical testing. Allele origin: unknown.

Women's Health and Genetics/Laboratory Corporation of America, LabCorp
Classification: Likely pathogenic for Autosomal recessive nonsyndromic hearing loss 3. Last evaluated: 2024-11-20. Review status: criteria provided, single submitter. Criteria: LabCorp Variant Classification Summary - May 2015. Collection method: clinical testing. Allele origin: germline.
Comment: Variant summary: MYO15A c.6863C>T (p.Ser2288Leu) results in a non-conservative amino acid change in the encoded protein sequence. Five of five in-silico tools predict a damaging effect of the variant on protein function. The variant allele was found at a frequency of 8.5e-06 in 234646 control chromosomes. c.6863C>T has been reported in the literature in compound heterozygous individuals affected with Autosomal Recessive Nonsyndromic Hearing Loss, including at least one case where it was reported in trans with a pathogenic variant (e.g. Wang_2021, Wonkam_2022, Wu_2022, Chen_2022, Zeng_2022, Pan_2022) . These data indicate that the variant is likely to be associated with disease. To our knowledge, no experimental evidence demonstrating an impact on protein function has been reported. The following publications have been ascertained in the context of this evaluation (PMID: 34974475, 34744965, 35440622, 35982127, 36568381, 35640668). ClinVar contains an entry for this variant (Variation ID: 322158). Based on the evidence outlined above, the variant was classified as likely pathogenic.

CeGaT Center for Human Genetics Tuebingen
Classification: Likely pathogenic. Last evaluated: 2024-11-01. Review status: criteria provided, single submitter. Criteria: CeGaT Center For Human Genetics Tuebingen Variant Classification Criteria Version 2. Collection method: clinical testing. Allele origin: germline. Affected: yes. Observed: 1 variant allele.
Comment: MYO15A: PM2, PM3, PM5

Laboratory for Molecular Medicine, Mass General Brigham Personalized Medicine
Classification: Likely pathogenic for Rare genetic deafness. Last evaluated: 2024-02-05. Review status: criteria provided, single submitter. Criteria: ACMG Guidelines, 2015. Collection method: clinical testing. Allele origin: germline.
Comment: The p.Ser2288Leu variant in MYO15A has been identified in the compound heterozygous state in at least 8 individuals with hearing loss (Wonkam 2022 PMID: 35440622, Chen 2022 PMID: 34974475, Wu 2022 PMID: 35982127, LMM internal data), 5 of whom had a second disease causing variant in the MYO15A gene, including 4 confirmed to be in trans. This variant has also been reported by other clinical laboratories in ClinVar (Variation ID 322158) and has been identified in 0.005% (1/18344) East Asian chromosomes, 0.004% (1/22666) African chromosomes, and 0.004% (3/74792) African/African American chromosomes by gnomAD (v.4.0.0). This low frequency is consistent with the carrier frequency for recessive hearing loss. Computational prediction tools and conservation analyses do not provide strong support for or against an impact to the protein. In summary, although additional studies are required to fully establish its clinical significance, this variant is likely pathogenic. ACMG/AMP Criteria applied: PM3_VeryStrong, PM2_Supporting, PS4_Supporting.

Blueprint Genetics
Classification: Pathogenic for MYO15A-related disorders. Last evaluated: 2023-08-14. Review status: criteria provided, single submitter. Criteria: ACMG Guidelines, 2015. Collection method: clinical testing. Allele origin: germline. Affected: yes. Observed: 3 variant alleles.

Literature cited by the submitters: PubMed 34744965 (cited by Women's Health and Genetics/Laboratory Corporation of America, LabCorp); PubMed 34974475 (cited by Women's Health and Genetics/Laboratory Corporation of America, LabCorp); PubMed 35982127 (cited by Women's Health and Genetics/Laboratory Corporation of America, LabCorp); PubMed 35640668 (cited by Women's Health and Genetics/Laboratory Corporation of America, LabCorp); PubMed 35440622 (cited by Women's Health and Genetics/Laboratory Corporation of America, LabCorp); PubMed 36568381 (cited by Women's Health and Genetics/Laboratory Corporation of America, LabCorp).